The following is an entry in ClinVar:

ClinVar aggregate classification (germline): Conflicting classifications of pathogenicity. Review status: criteria provided, conflicting classifications (1 of 4 stars). 4 submissions from 4 submitters: Uncertain significance (1); Likely benign (2). 1 of the submissions does not count toward it. Last evaluated 2025-09-01.

Conditions:
SYNE2-related disorder. Also called: SYNE2-related condition.
Emery-Dreifuss muscular dystrophy 5, autosomal dominant (EDMD5). Also called: EMERY-DREIFUSS MUSCULAR DYSTROPHY 5. Identifiers: Orphanet 261, MedGen C2751805, MONDO:0013072, OMIM 612999.

Submissions (4):

Labcorp Genetics (formerly Invitae), Labcorp
Classification: Likely benign for Emery-Dreifuss muscular dystrophy 5, autosomal dominant. Last evaluated: 2025-09-01. Review status: criteria provided, single submitter. Criteria: Invitae Variant Classification Sherloc (09022015). Collection method: clinical testing. Allele origin: germline.

Athena Diagnostics
Classification: Likely benign. Last evaluated: 2021-04-28. Review status: criteria provided, single submitter. Criteria: Athena Diagnostics criteria. Collection method: clinical testing. Allele origin: unknown.

Eurofins Ntd Llc (ga)
Classification: Uncertain significance. Last evaluated: 2015-10-07. Review status: criteria provided, single submitter. Criteria: EGL Classification Definitions 2015. Collection method: clinical testing. Allele origin: germline. Observed: 2 variant alleles.

PreventionGenetics, part of Exact Sciences
Classification: Likely benign for SYNE2-related condition. Last evaluated: 2019-06-19. Review status: no assertion criteria provided. Collection method: clinical testing. Allele origin: germline. Not counted in ClinVar's aggregate classification.
Comment: This variant is classified as likely benign based on ACMG/AMP sequence variant interpretation guidelines (Richards et al. 2015 PMID: 25741868, with internal and published modifications).

NM_182914.3(SYNE2):c.12109-10_12109-7del

Gene: SYNE2 (spectrin repeat containing nuclear envelope protein 2; plus strand). Cytogenetic location: 14q23.2.
Variant type: Deletion.
Coding change: c.12109-10_12109-7del on transcript NM_182914.3 (MANE Select); 10 bases into the intron before coding-DNA position 12109 through 7 bases into the intron before coding-DNA position 12109, 4 bases deleted (TTCT; older notation c.12109-10_12109-7delTTCT).
Molecular consequence: intron variant.
Genome position (GRCh38, 1-based): chr14:64,097,939-64,097,942, TTCT deleted; deleting any 4 consecutive bases within chr14:64,097,936-64,097,942 gives the same sequence; the c. name uses the placement nearest the transcript's 3' end. VCF-style (leftmost placement, unchanged base first): chr14-64097935-CTCTT-C. GRCh37 (hg19) VCF-style: chr14-64564653-CTCTT-C.
Other names: c.12109-10_12109-7del (NM_015180.6, NM_182914.2).
Identifiers: ClinVar variation 283493 (VCV000283493.19), dbSNP rs755277543, ClinGen allele CA7222018.